The following is an entry in ClinVar:

NM_004168.4(SDHA):c.145G>A (p.Asp49Asn)

Gene: SDHA (succinate dehydrogenase complex flavoprotein subunit A; plus strand). Cytogenetic location: 5p15.33.
Variant type: single nucleotide variant.
Coding change: c.145G>A on transcript NM_004168.4 (MANE Select); coding-DNA position 145, G replaced by A.
Protein change: p.Asp49Asn; replaces aspartic acid 49 with asparagine.
Molecular consequence: missense variant.
Genome position (GRCh38, 1-based): chr5:223,563, G>A. VCF-style: chr5-223563-G-A. GRCh37 (hg19) VCF-style: chr5-223678-G-A.
Other names: c.145G>A, p.Asp49Asn (NM_001294332.2, NM_001330758.2); short protein forms D49N.
Identifiers: ClinVar variation 5029178 (VCV005029178.1).

ClinVar aggregate classification (germline): Uncertain significance (1 of 4 stars; one submission).

Conditions:
Hereditary cancer-predisposing syndrome. Also called: Neoplastic Syndromes, Hereditary; Tumor predisposition; Hereditary neoplastic syndrome; Hereditary Cancer Syndrome. Identifiers: Orphanet 140162, MedGen C0027672, MeSH D009386, MONDO:0015356.

Submission:

Ambry Genetics
Classification: Uncertain significance for Hereditary cancer-predisposing syndrome. Last evaluated: 2026-07-06. Review status: criteria provided, single submitter. Criteria: Ambry Variant Classification Scheme 2023. Collection method: clinical testing. Allele origin: germline.
Comment: The p.D49N variant (also known as c.145G>A), located in coding exon 2 of the SDHA gene, results from a G to A substitution at nucleotide position 145. The aspartic acid at codon 49 is replaced by asparagine, an amino acid with highly similar properties. This amino acid position is conserved. In addition, this alteration is predicted to be tolerated by in silico analysis. Based on the available evidence, the clinical significance of this variant remains unclear.